The following is an entry in ClinVar:

NM_001166108.2(PALLD):c.2266A>G (p.Ser756Gly)

Genes: CBR4 (carbonyl reductase 4; minus strand), PALLD (palladin, cytoskeletal associated protein; plus strand). Cytogenetic location: 4q32.3.
Variant type: single nucleotide variant.
Coding change: c.2266A>G on transcript NM_001166108.2 (MANE Select); coding-DNA position 2266, A replaced by G.
Protein change: p.Ser756Gly; replaces serine 756 with glycine.
Molecular consequence: missense variant.
Genome position (GRCh38, 1-based): chr4:168,898,508, A>G. VCF-style: chr4-168898508-A-G. GRCh37 (hg19) VCF-style: chr4-169819659-A-G.
Other names: c.1069A>G, p.Ser357Gly (NM_001166109.2); c.754A>G, p.Ser252Gly (NM_001166110.2); c.94A>G, p.Ser32Gly (NM_001367567.1, NM_001367569.1); c.145A>G, p.Ser49Gly (NM_001367568.1, NM_001367570.1); c.2215A>G, p.Ser739Gly (NM_016081.4); short protein forms S252G, S32G, S357G, S49G, S739G, S756G.
Identifiers: ClinVar variation 1787819 (VCV001787819.7), dbSNP rs1488088422, ClinGen allele CA358798569.

ClinVar aggregate classification (germline): Uncertain significance. Review status: criteria provided, multiple submitters, no conflicts (2 of 4 stars). 2 submissions from 2 submitters: Uncertain significance (2). Last evaluated 2023-12-23.

Conditions:
Pancreatic adenocarcinoma. Identifiers: MedGen C0281361, MONDO:0006047, HP:0006725.

Allele frequency attached by ClinVar (database versions not stated): gnomAD 0.00001.
gnomAD v4.1: 12 of 1,611,276 alleles (0.00074%); highest among the groups gnomAD compares: Non-Finnish European, 0.001%; no homozygotes.

Submissions (2):

Ambry Genetics
Classification: Uncertain significance. Last evaluated: 2023-12-23. Review status: criteria provided, single submitter. Criteria: Ambry Variant Classification Scheme 2023. Collection method: clinical testing. Allele origin: germline.
Comment: The p.S739G variant (also known as c.2215A>G), located in coding exon 12 of the PALLD gene, results from an A to G substitution at nucleotide position 2215. The serine at codon 739 is replaced by glycine, an amino acid with similar properties. This amino acid position is conserved. In addition, the in silico prediction for this alteration is inconclusive. Since supporting evidence is limited at this time, the clinical significance of this alteration remains unclear.

Labcorp Genetics (formerly Invitae), Labcorp
Classification: Uncertain significance for Pancreatic adenocarcinoma. Last evaluated: 2022-04-17. Review status: criteria provided, single submitter. Criteria: Invitae Variant Classification Sherloc (09022015). Collection method: clinical testing. Allele origin: germline.
Comment: This sequence change replaces serine, which is neutral and polar, with glycine, which is neutral and non-polar, at codon 252 of the PALLD protein (p.Ser252Gly). In summary, the available evidence is currently insufficient to determine the role of this variant in disease. Therefore, it has been classified as a Variant of Uncertain Significance. Algorithms developed to predict the effect of missense changes on protein structure and function are either unavailable or do not agree on the potential impact of this missense change (SIFT: "Deleterious"; PolyPhen-2: "Benign"; Align-GVGD: "Class C55"). This variant has not been reported in the literature in individuals affected with PALLD-related conditions. This variant is present in population databases (no rsID available, gnomAD 0.007%).